The following is an entry in ClinVar:

NM_000435.3(NOTCH3):c.4999C>T (p.Arg1667Cys)

Gene: NOTCH3 (notch receptor 3; minus strand). Cytogenetic location: 19p13.12.
Variant type: single nucleotide variant.
Coding change: c.4999C>T on transcript NM_000435.3 (MANE Select); coding-DNA position 4999, C replaced by T.
Protein change: p.Arg1667Cys; replaces arginine 1667 with cysteine.
Molecular consequence: missense variant.
Genome position (GRCh38, 1-based): chr19:15,170,446, G>A on the plus strand (C>T on the coding strand, the complement: NOTCH3 is on the minus strand). VCF-style: chr19-15170446-G-A. GRCh37 (hg19) VCF-style: chr19-15281257-G-A.
Other names: short protein forms R1667C.
Identifiers: ClinVar variation 3893625 (VCV003893625.1).

ClinVar aggregate classification (germline): Uncertain significance (1 of 4 stars; one submission).

gnomAD v4.1: 2 of 1,610,894 alleles (0.00012%); highest among the groups gnomAD compares: East Asian, 0.0022%; no homozygotes.

Submission:

GeneDx
Classification: Uncertain significance. Last evaluated: 2024-10-27. Review status: criteria provided, single submitter. Criteria: GeneDx Variant Classification Process June 2021. Collection method: clinical testing. Allele origin: germline. Affected: yes.
Comment: Not observed at significant frequency in large population cohorts (gnomAD); In silico analysis supports that this missense variant has a deleterious effect on protein structure/function; Has not been previously published as pathogenic or benign to our knowledge